The following is an entry in ClinVar:

NM_006612.6(KIF1C):c.2429A>C (p.Glu810Ala)

Gene: KIF1C (kinesin family member 1C; plus strand). Cytogenetic location: 17p13.2.
Variant type: single nucleotide variant.
Coding change: c.2429A>C on transcript NM_006612.6 (MANE Select); coding-DNA position 2429, A replaced by C.
Protein change: p.Glu810Ala; replaces glutamic acid 810 with alanine.
Molecular consequence: missense variant.
Genome position (GRCh38, 1-based): chr17:5,022,510, A>C. VCF-style: chr17-5022510-A-C. GRCh37 (hg19) VCF-style: chr17-4925805-A-C.
Other names: short protein forms E810A.
Identifiers: ClinVar variation 652160 (VCV000652160.11), dbSNP rs182610831, ClinGen allele CA8319293.

ClinVar aggregate classification (germline): Uncertain significance. Review status: criteria provided, multiple submitters, no conflicts (2 of 4 stars). 2 submissions from 2 submitters: Uncertain significance (2). Last evaluated 2025-08-14.

Conditions:
Inborn genetic diseases. Identifiers: MedGen C0950123, MeSH D030342.
Spastic ataxia 2. Also called: Ataxia, spastic, 2, autosomal recessive. Identifiers: Orphanet 397946, MedGen C1969796, MONDO:0012651, OMIM 611302.

Allele frequency attached by ClinVar (database versions not stated): gnomAD exomes 0.00003 and 0.00016; TOPMed 0.00003; gnomAD 0.00004 and 0.00005; ExAC 0.00014; 1000 Genomes Project 30x 0.00031; 1000 Genomes Project 0.00040.
gnomAD v4.1: 56 of 1,588,420 alleles (0.0035%); highest among the groups gnomAD compares: Admixed American, 0.097%; no homozygotes.

Submissions (2):

Ambry Genetics
Classification: Uncertain significance for Inborn genetic diseases. Last evaluated: 2025-08-14. Review status: criteria provided, single submitter. Criteria: Ambry Variant Classification Scheme 2023. Collection method: clinical testing. Allele origin: germline.

Labcorp Genetics (formerly Invitae), Labcorp
Classification: Uncertain significance for Spastic ataxia 2. Last evaluated: 2024-12-16. Review status: criteria provided, single submitter. Criteria: Invitae Variant Classification Sherloc (09022015). Collection method: clinical testing. Allele origin: germline.
Comment: This sequence change replaces glutamic acid, which is acidic and polar, with alanine, which is neutral and non-polar, at codon 810 of the KIF1C protein (p.Glu810Ala). The frequency data for this variant in the population databases is considered unreliable, as metrics indicate poor data quality at this position in the gnomAD database. This variant has not been reported in the literature in individuals affected with KIF1C-related conditions. ClinVar contains an entry for this variant (Variation ID: 652160). An algorithm developed to predict the effect of missense changes on protein structure and function (PolyPhen-2) suggests that this variant¬†is likely to be tolerated. In summary, the available evidence is currently insufficient to determine the role of this variant in disease. Therefore, it has been classified as a Variant of Uncertain Significance.